The following is an entry in ClinVar:

NM_007294.4(BRCA1):c.638G>A (p.Arg213Lys)

Gene: BRCA1 (BRCA1 DNA repair associated; minus strand). Cytogenetic location: 17q21.31.
Variant type: single nucleotide variant.
Coding change: c.638G>A on transcript NM_007294.4 (MANE Select); coding-DNA position 638, G replaced by A.
Protein change: p.Arg213Lys; replaces arginine 213 with lysine.
Molecular consequence: missense variant. On other transcripts: non-coding transcript variant (1).
Genome position (GRCh38, 1-based): chr17:43,095,878, C>T on the plus strand (G>A on the coding strand, the complement: BRCA1 is on the minus strand). VCF-style: chr17-43095878-C-T. GRCh37 (hg19) VCF-style: chr17-41247895-C-T.
Other names: c.638G>A, p.Arg213Lys (NM_001408472.1, NM_001407642.1, NM_001407652.1 and 59 more transcripts); c.635G>A, p.Arg212Lys (NM_001408473.1, NM_001407644.1, NM_001407645.1 and 41 more transcripts); c.560G>A, p.Arg187Lys (NM_001407653.1, NM_001407654.1, NM_001407655.1 and 9 more transcripts); c.629G>A, p.Arg210Lys (NM_001407646.1, NM_001407647.1, NM_001408408.1); c.428G>A, p.Arg143Lys (NM_001408480.1, NM_001408481.1, NM_001408482.1 and 27 more transcripts); c.497G>A, p.Arg166Lys (NM_001408469.1, NM_007297.4, NM_001407692.1 and 43 more transcripts); c.494G>A, p.Arg165Lys (NM_001408470.1, NM_001407740.1, NM_001407741.1 and 26 more transcripts); c.425G>A, p.Arg142Lys (NM_001408490.1, NM_001408491.1, NM_001408493.1 and 12 more transcripts); and 4 more; short protein forms R213K, R166K, R165K, R168K, R186K, R210K, R86K, R212K.
Identifiers: ClinVar variation 578841 (VCV000578841.7), dbSNP rs1567803140, ClinGen allele CA10600830.

ClinVar aggregate classification (germline): Conflicting classifications of pathogenicity. Review status: criteria provided, conflicting classifications (1 of 4 stars). 2 submissions from 2 submitters: Uncertain significance (1); Likely benign (1). Last evaluated 2022-02-15.

Conditions:
Hereditary breast ovarian cancer syndrome. Also called: Hereditary breast and ovarian cancer syndrome; Hereditary breast and ovarian cancer syndrome (HBOC); BRCA1- and BRCA2-Associated Hereditary Breast and Ovarian Cancer; Hereditary breast and/or ovarian cancer syndrome; Hereditary breast and ovarian cancer; Breast and ovarian cancer. Identifiers: Orphanet 145, MedGen C0677776, MeSH D061325, MONDO:0003582. Disease mechanism: loss of function.
Hereditary cancer-predisposing syndrome. Also called: Neoplastic Syndromes, Hereditary; Tumor predisposition; Hereditary neoplastic syndrome; Hereditary Cancer Syndrome. Identifiers: Orphanet 140162, MedGen C0027672, MeSH D009386, MONDO:0015356.

Allele frequency attached by ClinVar (database versions not stated): gnomAD exomes below 0.00001.
gnomAD v4.1: 2 of 1,613,900 alleles (0.00012%); highest among the groups gnomAD compares: East Asian, 0.0045%; no homozygotes.

Submissions (2):

Ambry Genetics
Classification: Likely benign for Hereditary cancer-predisposing syndrome. Last evaluated: 2022-02-15. Review status: criteria provided, single submitter. Criteria: Ambry Variant Classification Scheme 2023. Collection method: clinical testing. Allele origin: germline.

Labcorp Genetics (formerly Invitae), Labcorp
Classification: Uncertain significance for Hereditary breast ovarian cancer syndrome. Last evaluated: 2021-10-06. Review status: criteria provided, single submitter. Criteria: Invitae Variant Classification Sherloc (09022015). Collection method: clinical testing. Allele origin: germline.
Comment: This sequence change replaces arginine with lysine at codon 213 of the BRCA1 protein (p.Arg213Lys). The arginine residue is weakly conserved and there is a small physicochemical difference between arginine and lysine. This variant is not present in population databases (ExAC no frequency). This missense change has been observed in individual(s) with breast cancer (PMID: 30287823). ClinVar contains an entry for this variant (Variation ID: 578841). Advanced modeling of protein sequence and biophysical properties (such as structural, functional, and spatial information, amino acid conservation, physicochemical variation, residue mobility, and thermodynamic stability) performed at Invitae indicates that this missense variant is not expected to disrupt BRCA1 protein function. In summary, the available evidence is currently insufficient to determine the role of this variant in disease. Therefore, it has been classified as a Variant of Uncertain Significance.

Literature cited by the submitters: PubMed 30287823 (cited by Labcorp Genetics (formerly Invitae), Labcorp).